The following is an entry in ClinVar:

NM_001165967.2(HES7):c.394C>T (p.Arg132Cys)

Gene: HES7 (hes family bHLH transcription factor 7; minus strand). Cytogenetic location: 17p13.1.
Variant type: single nucleotide variant.
Coding change: c.394C>T on transcript NM_001165967.2 (MANE Select); coding-DNA position 394, C replaced by T.
Protein change: p.Arg132Cys; replaces arginine 132 with cysteine.
Molecular consequence: missense variant.
Genome position (GRCh38, 1-based): chr17:8,121,870, G>A on the plus strand (C>T on the coding strand, the complement: HES7 is on the minus strand). VCF-style: chr17-8121870-G-A. GRCh37 (hg19) VCF-style: chr17-8025188-G-A.
Other names: c.379C>T, p.Arg127Cys (NM_032580.4); short protein forms R127C, R132C.
Identifiers: ClinVar variation 1515458 (VCV001515458.26), dbSNP rs375056498, ClinGen allele CA8368647.

ClinVar aggregate classification (germline): Uncertain significance. Review status: criteria provided, multiple submitters, no conflicts (2 of 4 stars). 2 submissions from 2 submitters: Uncertain significance (2). Last evaluated 2022-10-14.

Allele frequency attached by ClinVar (database versions not stated): gnomAD 0.00053; ESP Exome Variant Server 0.00056; TOPMed 0.00059; 1000 Genomes Project 30x 0.00078; 1000 Genomes Project 0.00080.
gnomAD v4.1: 176 of 1,571,534 alleles (0.011%); highest among the groups gnomAD compares: African/African-American, 0.21%; no homozygotes.

Submissions (2):

Labcorp Genetics (formerly Invitae), Labcorp
Classification: Uncertain significance. Last evaluated: 2022-10-14. Review status: criteria provided, single submitter. Criteria: Invitae Variant Classification Sherloc (09022015). Collection method: clinical testing. Allele origin: germline.
Comment: This sequence change replaces arginine, which is basic and polar, with cysteine, which is neutral and slightly polar, at codon 127 of the HES7 protein (p.Arg127Cys). This variant is present in population databases (rs375056498, gnomAD 0.2%). This variant has not been reported in the literature in individuals affected with HES7-related conditions. ClinVar contains an entry for this variant (Variation ID: 1515458). Algorithms developed to predict the effect of missense changes on protein structure and function are either unavailable or do not agree on the potential impact of this missense change (SIFT: "Deleterious"; PolyPhen-2: "Probably Damaging"; Align-GVGD: "Class C0"). In summary, the available evidence is currently insufficient to determine the role of this variant in disease. Therefore, it has been classified as a Variant of Uncertain Significance.

CeGaT Center for Human Genetics Tuebingen
Classification: Uncertain significance. Last evaluated: 2022-07-01. Review status: criteria provided, single submitter. Criteria: CeGaT Center For Human Genetics Tuebingen Variant Classification Criteria Version 2. Collection method: clinical testing. Allele origin: germline. Affected: yes. Observed: 1 variant allele.